The following is an entry in ClinVar:

ClinVar aggregate classification (germline): Likely benign (1 of 4 stars; one submission).

Conditions:
Immunodeficiency 51 (IMD51). Also called: CANDIDIASIS, FAMILIAL, 5. Identifiers: Orphanet 1334, MedGen C4310803, MONDO:0013500, OMIM 613953.

Allele frequency attached by ClinVar (database versions not stated): gnomAD exomes 0.00040; gnomAD 0.00345 and 0.00374; TOPMed 0.00408; 1000 Genomes Project 0.00419; 1000 Genomes Project 30x 0.00437.
gnomAD v4.1: 581 of 300,186 alleles (0.19%); highest among the groups gnomAD compares: African/African-American, 1.2%; 4 homozygotes.

Submission:

Illumina Laboratory Services, Illumina
Classification: Likely benign for Immunodeficiency 51. Last evaluated: 2018-01-12. Review status: criteria provided, single submitter. Criteria: ICSL Variant Classification Criteria 13 December 2019. Collection method: clinical testing. Allele origin: germline.
Comment: This variant was observed in the ICSL laboratory as part of a predisposition screen in an ostensibly healthy population. It had not been previously curated by ICSL or reported in the Human Gene Mutation Database (HGMD: prior to June 1st, 2018), and was therefore a candidate for classification through an automated scoring system. Utilizing variant allele frequency, disease prevalence and penetrance estimates, and inheritance mode, an automated score was calculated to assess if this variant is too frequent to cause the disease. Based on the score and internal cut-off values, a variant classified as likely benign is not then subjected to further curation. The score for this variant resulted in a classification of likely benign for this disease.

NM_014339.7(IL17RA):c.*399C>T

Gene: IL17RA (interleukin 17 receptor A; plus strand). Cytogenetic location: 22q11.1.
Variant type: single nucleotide variant.
Coding change: c.*399C>T on transcript NM_014339.7 (MANE Select); 399 bases downstream of the stop codon, C replaced by T.
Molecular consequence: 3 prime UTR variant.
Genome position (GRCh38, 1-based): chr22:17,110,219, C>T. VCF-style: chr22-17110219-C-T. GRCh37 (hg19) VCF-style: chr22-17591109-C-T.
Other names: c.*399C>T (NM_001289905.2).
Identifiers: ClinVar variation 895214 (VCV000895214.4), dbSNP rs12157751, ClinGen allele CA321155304.